The following is an entry in ClinVar:

NM_014009.4(FOXP3):c.673G>C (p.Asp225His)

Gene: FOXP3 (forkhead box P3; minus strand). Cytogenetic location: Xp11.23.
Variant type: single nucleotide variant.
Coding change: c.673G>C on transcript NM_014009.4 (MANE Select); coding-DNA position 673, G replaced by C.
Protein change: p.Asp225His; replaces aspartic acid 225 with histidine.
Molecular consequence: missense variant.
Genome position (GRCh38, 1-based): chrX:49,255,777, C>G on the plus strand (G>C on the coding strand, the complement: FOXP3 is on the minus strand). VCF-style: chrX-49255777-C-G. GRCh37 (hg19) VCF-style: chrX-49112238-C-G.
Other names: c.568G>C, p.Asp190His (NM_001114377.2); short protein forms D190H, D225H.
Identifiers: ClinVar variation 3690151 (VCV003690151.2).

ClinVar aggregate classification (germline): Uncertain significance (1 of 4 stars; one submission).

Conditions:
Insulin-dependent diabetes mellitus secretory diarrhea syndrome (IPEX). Also called: Immunodeficiency, Polyendocrinopathy, and Enteropathy X-Linked Syndrome; X-Linked Syndrome of Polyendocrinopathy, Immune Dysfunction, and Diarrhea; DIABETES MELLITUS, CONGENITAL INSULIN-DEPENDENT, WITH FATAL SECRETORY DIARRHEA; DIARRHEA, POLYENDOCRINOPATHY, FATAL INFECTION SYNDROME, X-LINKED; ENTEROPATHY, AUTOIMMUNE, WITH HEMOLYTIC ANEMIA AND POLYENDOCRINOPATHY; IMMUNODEFICIENCY, POLYENDOCRINOPATHY, AND ENTEROPATHY, X-LINKED. Identifiers: Orphanet 37042, MedGen C0342288, MONDO:0010580, OMIM 304790. Disease mechanism: loss of function.

Submission:

Labcorp Genetics (formerly Invitae), Labcorp
Classification: Uncertain significance for Insulin-dependent diabetes mellitus secretory diarrhea syndrome. Last evaluated: 2024-05-22. Review status: criteria provided, single submitter. Criteria: Invitae Variant Classification Sherloc (09022015). Collection method: clinical testing. Allele origin: germline.
Comment: This sequence change replaces aspartic acid, which is acidic and polar, with histidine, which is basic and polar, at codon 225 of the FOXP3 protein (p.Asp225His). This variant is not present in population databases (gnomAD no frequency). This variant has not been reported in the literature in individuals affected with FOXP3-related conditions. Advanced modeling of protein sequence and biophysical properties (such as structural, functional, and spatial information, amino acid conservation, physicochemical variation, residue mobility, and thermodynamic stability) performed at Invitae indicates that this missense variant is not expected to disrupt FOXP3 protein function with a negative predictive value of 80%. In summary, the available evidence is currently insufficient to determine the role of this variant in disease. Therefore, it has been classified as a Variant of Uncertain Significance.